The following is an entry in ClinVar:

NM_001244008.2(KIF1A):c.3901+379C>T

Genes: KIF1A (kinesin family member 1A; minus strand), LOC126806583 (P300/CBP strongly-dependent group 1 enhancer GRCh37_chr2:241678910-241680109; plus strand). Cytogenetic location: 2q37.3.
Variant type: single nucleotide variant.
Coding change: c.3901+379C>T on transcript NM_001244008.2 (MANE Select); 379 bases into the intron after coding-DNA position 3901, C replaced by T.
Molecular consequence: intron variant.
Genome position (GRCh38, 1-based): chr2:240,739,679, G>A on the plus strand (C>T on the coding strand, the complement: KIF1A is on the minus strand). VCF-style: chr2-240739679-G-A. GRCh37 (hg19) VCF-style: chr2-241679096-G-A.
Other names: c.3598+379C>T (NM_001379653.1, NM_001379650.1, NM_001379641.1 and 4 more transcripts); c.3874+379C>T (NM_001379645.1, NM_001379633.1, NM_001379642.1); c.3700+379C>T (NM_001379635.1, NM_001330290.2, NM_001379646.1 and 1 more transcripts); c.3595+379C>T (NM_001379640.1); c.3599-10C>T (NM_001379636.1); c.3850+379C>T (NM_001379632.1); c.3673+379C>T (NM_001379637.1, NM_001379648.1); c.3625+379C>T (NM_001320705.2, NM_001379638.1, NM_001330289.2); and 1 more.
Identifiers: ClinVar variation 4881974 (VCV004881974.2).
Genomic context (GRCh38, chr2:240,739,679, plus strand): 5'-GTGATGCGTCTGCAGGCCAGGGTCGCCCAAGATGCTGGCCACCACCAGGAGCTGGAAGAG[G>A]CAGGGAGGGATTTTCCCCAACAGGTTTCAGAGAGAGAGAGCGCGCCTCTTGCCGGCACCT-3'

ClinVar aggregate classification (germline): Uncertain significance (1 of 4 stars; one submission).

gnomAD v4.1: 3 of 152,196 alleles (0.002%); highest among the groups gnomAD compares: African/African-American, 0.0072%; no homozygotes.

Submission:

Dasa
Classification: Uncertain significance. Last evaluated: 2025-08-15. Review status: criteria provided, single submitter. Criteria: DASA Assertion Criteria. Collection method: clinical testing. Allele origin: germline.
Comment: NM_001379636.1(KIF1A):c.3599-10C>T is a splice-region variant. This variant is rare in population databases. Computational prediction algorithms are consistent with a deleterious effect. The currently available literature and clinical evidence are not sufficient to establish a definitive association between this variant and the reported condition. Therefore, this variant is classified as a variant of uncertain significance.